The following is an entry in ClinVar:

ClinVar aggregate classification (germline): Uncertain significance (1 of 4 stars; one submission).

Conditions:
Developmental and epileptic encephalopathy, 32 (DEE32). Also called: Epileptic encephalopathy, early infantile, 32. Identifiers: Orphanet 442835, MedGen C4225350, MONDO:0014607, OMIM 616366.

Submission:

Labcorp Genetics (formerly Invitae), Labcorp
Classification: Uncertain significance for Developmental and epileptic encephalopathy, 32. Last evaluated: 2023-08-27. Review status: criteria provided, single submitter. Criteria: Invitae Variant Classification Sherloc (09022015). Collection method: clinical testing. Allele origin: germline.
Comment: In summary, the available evidence is currently insufficient to determine the role of this variant in disease. Therefore, it has been classified as a Variant of Uncertain Significance. Advanced modeling of protein sequence and biophysical properties (such as structural, functional, and spatial information, amino acid conservation, physicochemical variation, residue mobility, and thermodynamic stability) performed at Invitae indicates that this missense variant is not expected to disrupt KCNA2 protein function. ClinVar contains an entry for this variant (Variation ID: 575248). This variant has not been reported in the literature in individuals affected with KCNA2-related conditions. This variant is not present in population databases (gnomAD no frequency). This sequence change replaces phenylalanine, which is neutral and non-polar, with leucine, which is neutral and non-polar, at codon 333 of the KCNA2 protein (p.Phe333Leu).

NM_004974.4(KCNA2):c.997T>C (p.Phe333Leu)

Gene: KCNA2 (potassium voltage-gated channel subfamily A member 2; minus strand). Cytogenetic location: 1p13.3.
Variant type: single nucleotide variant.
Coding change: c.997T>C on transcript NM_004974.4 (MANE Select); coding-DNA position 997, T replaced by C.
Protein change: p.Phe333Leu; replaces phenylalanine 333 with leucine.
Molecular consequence: missense variant. On other transcripts: intron variant (1).
Genome position (GRCh38, 1-based): chr1:110,603,786, A>G on the plus strand (T>C on the coding strand, the complement: KCNA2 is on the minus strand). VCF-style: chr1-110603786-A-G. GRCh37 (hg19) VCF-style: chr1-111146408-A-G.
Other names: c.894+103T>C (NM_001204269.2); short protein forms F333L.
Identifiers: ClinVar variation 575248 (VCV000575248.9), dbSNP rs1557732183, ClinGen allele CA341602467.